The following is an entry in ClinVar:

NM_005529.7(HSPG2):c.10909G>C (p.Gly3637Arg)

Gene: HSPG2 (heparan sulfate proteoglycan 2; minus strand). Cytogenetic location: 1p36.12.
Variant type: single nucleotide variant.
Coding change: c.10909G>C on transcript NM_005529.7 (MANE Select); coding-DNA position 10909, G replaced by C.
Protein change: p.Gly3637Arg; replaces glycine 3637 with arginine.
Molecular consequence: missense variant.
Genome position (GRCh38, 1-based): chr1:21,833,536, C>G on the plus strand (G>C on the coding strand, the complement: HSPG2 is on the minus strand). VCF-style: chr1-21833536-C-G. GRCh37 (hg19) VCF-style: chr1-22160029-C-G.
Other names: c.10912G>C, p.Gly3638Arg (NM_001291860.2); short protein forms G3637R, G3638R.
Identifiers: ClinVar variation 1497547 (VCV001497547.8), dbSNP rs2098013624, ClinGen allele CA338907180.

ClinVar aggregate classification (germline): Uncertain significance (1 of 4 stars; one submission).

Allele frequency attached by ClinVar (database versions not stated): gnomAD exomes below 0.00001.
gnomAD v4.1: 2 of 1,614,112 alleles (0.00012%); highest among the groups gnomAD compares: African/African-American, 0.0027%; no homozygotes.

Submission:

Labcorp Genetics (formerly Invitae), Labcorp
Classification: Uncertain significance. Last evaluated: 2025-01-13. Review status: criteria provided, single submitter. Criteria: Invitae Variant Classification Sherloc (09022015). Collection method: clinical testing. Allele origin: germline.
Comment: This sequence change replaces glycine, which is neutral and non-polar, with arginine, which is basic and polar, at codon 3637 of the HSPG2 protein (p.Gly3637Arg). This variant is not present in population databases (gnomAD no frequency). This variant has not been reported in the literature in individuals affected with HSPG2-related conditions. ClinVar contains an entry for this variant (Variation ID: 1497547). An algorithm developed to predict the effect of missense changes on protein structure and function (PolyPhen-2) suggests that this variant is likely to be disruptive. In summary, the available evidence is currently insufficient to determine the role of this variant in disease. Therefore, it has been classified as a Variant of Uncertain Significance.